The following is an entry in ClinVar:

NM_032620.4(GTPBP3):c.*18G>A

Gene: GTPBP3 (GTP binding protein 3, mitochondrial; plus strand). Cytogenetic location: 19p13.11.
Variant type: single nucleotide variant.
Coding change: c.*18G>A on transcript NM_032620.4 (MANE Select); 18 bases downstream of the stop codon, G replaced by A.
Molecular consequence: 3 prime UTR variant.
Genome position (GRCh38, 1-based): chr19:17,341,721, G>A. VCF-style: chr19-17341721-G-A. GRCh37 (hg19) VCF-style: chr19-17452530-G-A.
Other names: c.*18G>A (NM_001128855.3, NM_001195422.1, NM_133644.4).
Identifiers: ClinVar variation 382604 (VCV000382604.2), dbSNP rs756870655, ClinGen allele CA9293747.
Genomic context (GRCh38, chr19:17,341,721, plus strand): 5'-GATCCTGGACATCATCTTCCAGGACTTCTGTGTGGGCAAGTGACGGGATCCAGGGAAGTC[G>A]CACCCAAGCTGCGTGGAGACCCAGGAGCCTCGGGGGATCTGGAAACAGTTTAGGCCAATT-3'

ClinVar aggregate classification (germline): Likely benign. Review status: criteria provided, multiple submitters, no conflicts (2 of 4 stars). 2 submissions from 2 submitters: Likely benign (2). Last evaluated 2023-10-05.

Allele frequency attached by ClinVar (database versions not stated): gnomAD 0.00001; ExAC 0.00003; gnomAD exomes 0.00003; TOPMed 0.00003.
gnomAD v4.1: 14 of 1,547,680 alleles (0.0009%); highest among the groups gnomAD compares: Admixed American, 0.0093%; no homozygotes.

Submissions (2):

Blueprint Genetics
Classification: Likely benign. Last evaluated: 2023-10-05. Review status: criteria provided, single submitter. Criteria: ACMG Guidelines, 2015. Collection method: clinical testing. Allele origin: germline.

GeneDx
Classification: Likely benign. Last evaluated: 2016-02-15. Review status: criteria provided, single submitter. Criteria: GeneDx Variant Classification (06012015). Collection method: clinical testing. Allele origin: germline. Affected: yes.
Comment: This variant is considered likely benign or benign based on one or more of the following criteria: it is a conservative change, it occurs at a poorly conserved position in the protein, it is predicted to be benign by multiple in silico algorithms, and/or has population frequency not consistent with disease.